The following is an entry in ClinVar:

ClinVar aggregate classification (germline): Uncertain significance (1 of 4 stars; one submission).

Conditions:
Inborn genetic diseases. Identifiers: MedGen C0950123, MeSH D030342.

Submission:

Ambry Genetics
Classification: Uncertain significance for Inborn genetic diseases. Last evaluated: 2026-01-06. Review status: criteria provided, single submitter. Criteria: Ambry Variant Classification Scheme 2023. Collection method: clinical testing. Allele origin: germline.
Comment: The p.L1178R variant (also known as c.3533T>G), located in coding exon 24 of the ANKRD26 gene, results from a T to G substitution at nucleotide position 3533. The leucine at codon 1178 is replaced by arginine, an amino acid with dissimilar properties. This amino acid position is conserved. In addition, this alteration is predicted to be tolerated by in silico analysis. Based on the available evidence, the clinical significance of this variant remains unclear.

NM_014915.3(ANKRD26):c.3533T>G (p.Leu1178Arg)

Gene: ANKRD26 (ankyrin repeat domain 26; minus strand). Cytogenetic location: 10p12.1.
Variant type: single nucleotide variant.
Coding change: c.3533T>G on transcript NM_014915.3 (MANE Select); coding-DNA position 3533, T replaced by G.
Protein change: p.Leu1178Arg; replaces leucine 1178 with arginine.
Molecular consequence: missense variant.
Genome position (GRCh38, 1-based): chr10:27,034,917, A>C on the plus strand (T>G on the coding strand, the complement: ANKRD26 is on the minus strand). VCF-style: chr10-27034917-A-C. GRCh37 (hg19) VCF-style: chr10-27323846-A-C.
Other names: c.3530T>G, p.Leu1177Arg (NM_001256053.2); short protein forms L1178R, L1177R.
Identifiers: ClinVar variation 4842364 (VCV004842364.1).